The following is an entry in ClinVar:

NM_004795.4(KL):c.850A>T (p.Thr284Ser)

Gene: KL (klotho; plus strand). Cytogenetic location: 13q13.1.
Variant type: single nucleotide variant.
Coding change: c.850A>T on transcript NM_004795.4 (MANE Select); coding-DNA position 850, A replaced by T.
Protein change: p.Thr284Ser; replaces threonine 284 with serine.
Molecular consequence: missense variant.
Genome position (GRCh38, 1-based): chr13:33,053,797, A>T. VCF-style: chr13-33053797-A-T. GRCh37 (hg19) VCF-style: chr13-33627934-A-T.
Other names: short protein forms T284S.
Identifiers: ClinVar variation 3661552 (VCV003661552.2).

ClinVar aggregate classification (germline): Uncertain significance (1 of 4 stars; one submission).

Submission:

Labcorp Genetics (formerly Invitae), Labcorp
Classification: Uncertain significance. Last evaluated: 2024-08-06. Review status: criteria provided, single submitter. Criteria: Invitae Variant Classification Sherloc (09022015). Collection method: clinical testing. Allele origin: germline.
Comment: This sequence change replaces threonine, which is neutral and polar, with serine, which is neutral and polar, at codon 284 of the KL protein (p.Thr284Ser). This variant is not present in population databases (gnomAD no frequency). This variant has not been reported in the literature in individuals affected with KL-related conditions. Advanced modeling of protein sequence and biophysical properties (such as structural, functional, and spatial information, amino acid conservation, physicochemical variation, residue mobility, and thermodynamic stability) performed at Invitae indicates that this missense variant is not expected to disrupt KL protein function with a negative predictive value of 80%. In summary, the available evidence is currently insufficient to determine the role of this variant in disease. Therefore, it has been classified as a Variant of Uncertain Significance.